The following is an entry in ClinVar:

NM_033641.4(COL4A6):c.494G>A (p.Ser165Asn)

Gene: COL4A6 (collagen type IV alpha 6 chain; minus strand). Cytogenetic location: Xq22.3.
Variant type: single nucleotide variant.
Coding change: c.494G>A on transcript NM_033641.4 (MANE Select); coding-DNA position 494, G replaced by A.
Protein change: p.Ser165Asn; replaces serine 165 with asparagine.
Molecular consequence: missense variant.
Genome position (GRCh38, 1-based): chrX:108,211,688, C>T on the plus strand (G>A on the coding strand, the complement: COL4A6 is on the minus strand). VCF-style: chrX-108211688-C-T. GRCh37 (hg19) VCF-style: chrX-107454918-C-T.
Other names: c.494G>A, p.Ser165Asn (NM_001287758.2, NM_001287759.2, NM_001287760.2); c.497G>A, p.Ser166Asn (NM_001847.4); c.497G>A (NM_001847.3); short protein forms S166N, S165N.
Identifiers: ClinVar variation 2070651 (VCV002070651.7), dbSNP rs142593944, ClinGen allele CA10488153.

ClinVar aggregate classification (germline): Conflicting classifications of pathogenicity. Review status: criteria provided, conflicting classifications (1 of 4 stars). 3 submissions from 3 submitters: Uncertain significance (1); Likely benign (2). Last evaluated 2026-01-06.

Conditions:
COL4A6-related disorder. Also called: COL4A6-related condition.

Allele frequency attached by ClinVar (database versions not stated): TOPMed 0.00001; gnomAD 0.00002; gnomAD exomes 0.00008; ExAC 0.00013; 1000 Genomes Project 30x 0.00042; 1000 Genomes Project 0.00053.
gnomAD v4.1: 89 of 1,210,383 alleles (0.0074%); highest among the groups gnomAD compares: East Asian, 0.26%; 1 homozygote.

Submissions (4):

PreventionGenetics, part of Exact Sciences
Classification: Uncertain significance for COL4A6-related condition. Last evaluated: 2026-01-06. Review status: criteria provided, single submitter. Criteria: ACMG Guidelines, 2015. Collection method: clinical testing. Allele origin: germline.
Comment: The COL4A6 c.497G>A variant is predicted to result in the amino acid substitution p.Ser166Asn. To our knowledge, this variant has not been reported in the literature. This variant is reported in 0.17% of alleles in individuals of East Asian descent in gnomAD, which may be high for causative variant. Although we suspect that this variant may be benign, at this time, the clinical significance of this variant is uncertain due to the absence of conclusive functional and genetic evidence.

Labcorp Genetics (formerly Invitae), Labcorp
Classification: Likely benign. Last evaluated: 2023-02-03. Review status: criteria provided, single submitter. Criteria: Invitae Variant Classification Sherloc (09022015). Collection method: clinical testing. Allele origin: germline.

Blueprint Genetics
Classification: Likely benign. Last evaluated: 2022-02-28. Review status: criteria provided, single submitter. Criteria: ACMG Guidelines, 2015. Collection method: clinical testing. Allele origin: germline.

Dr. Peter K. Rogan Lab, Western University
No classification provided (evidence only). Condition: Gastric cancer. Review status: no classification provided. Collection method: in vitro. Allele origin: not applicable. Functional consequence: retained intron. Not counted in ClinVar's aggregate classification.